The following is an entry in ClinVar:

ClinVar aggregate classification (germline): Likely benign. Review status: criteria provided, multiple submitters, no conflicts (2 of 4 stars). 3 submissions from 3 submitters: Likely benign (3). Last evaluated 2025-09-30.

Conditions:
Hereditary cancer-predisposing syndrome. Also called: Tumor predisposition; Neoplastic Syndromes, Hereditary; Hereditary neoplastic syndrome; Hereditary Cancer Syndrome. Identifiers: Orphanet 140162, MedGen C0027672, MeSH D009386, MONDO:0015356.
BAP1-related tumor predisposition syndrome (TPDS1). Also called: Tumor susceptibility linked to germline BAP1 mutations; BAP1 tumor predisposition syndrome; COMMON Syndrome; TUMOR PREDISPOSITION SYNDROME 1. Identifiers: Orphanet 289539, MedGen C3280492, MONDO:0013692, OMIM 614327.

gnomAD v4.1: 3 of 1,613,134 alleles (0.00019%); highest among the groups gnomAD compares: Non-Finnish European, 0.00025%; no homozygotes.

Submissions (3):

Labcorp Genetics (formerly Invitae), Labcorp
Classification: Likely benign for BAP1-related tumor predisposition syndrome. Last evaluated: 2025-09-30. Review status: criteria provided, single submitter. Criteria: Invitae Variant Classification Sherloc (09022015). Collection method: clinical testing. Allele origin: germline.

Myriad Genetics, Inc.
Classification: Likely benign for BAP1-related tumor predisposition syndrome. Last evaluated: 2024-07-17. Review status: criteria provided, single submitter. Criteria: Myriad Autosomal Dominant, Autosomal Recessive and X-Linked Classification Criteria (2023). Collection method: clinical testing. Allele origin: unknown.
Comment: This variant is considered likely benign. This variant is intronic and is not expected to impact mRNA splicing.

Color Diagnostics, LLC DBA Color Health
Classification: Likely benign for Hereditary cancer-predisposing syndrome. Last evaluated: 2017-10-02. Review status: criteria provided, single submitter. Criteria: ACMG Guidelines, 2015. Collection method: clinical testing. Allele origin: germline.

NM_004656.4(BAP1):c.1730-14A>C

Gene: BAP1 (BRCA1 associated deubiquitinase 1; minus strand). Cytogenetic location: 3p21.1.
Variant type: single nucleotide variant.
Coding change: c.1730-14A>C on transcript NM_004656.4 (MANE Select); 14 bases into the intron before coding-DNA position 1730, A replaced by C.
Molecular consequence: intron variant.
Genome position (GRCh38, 1-based): chr3:52,403,312, T>G on the plus strand (A>C on the coding strand, the complement: BAP1 is on the minus strand). VCF-style: chr3-52403312-T-G. GRCh37 (hg19) VCF-style: chr3-52437328-T-G.
Identifiers: ClinVar variation 630665 (VCV000630665.8), dbSNP rs1559586193, ClinGen allele CA913188130.